The following is an entry in ClinVar:

ClinVar aggregate classification (germline): Uncertain significance (1 of 4 stars; one submission).

Conditions:
Glutamate pyruvate transaminase 2 deficiency (NEDSPM). Also called: Neurodevelopmental disorder with microcephaly and spastic paraplegia. Identifiers: Orphanet 477673, MedGen C4225388, MONDO:0014567, OMIM 616281.

Allele frequency attached by ClinVar (database versions not stated): gnomAD 0.00001; TOPMed 0.00001 and 0.00002; gnomAD exomes 0.00001; ExAC 0.00002.
gnomAD v4.1: 17 of 1,614,134 alleles (0.0011%); highest among the groups gnomAD compares: East Asian, 0.0022%; no homozygotes.

Submission:

Baylor Genetics
Classification: Uncertain significance for Glutamate pyruvate transaminase 2 deficiency. Last evaluated: 2018-08-06. Review status: criteria provided, single submitter. Criteria: ACMG Guidelines, 2015. Collection method: clinical testing. Allele origin: paternal. Affected: yes.
Comment: This variant was determined to be of uncertain significance according to ACMG Guidelines, 2015 [PMID:25741868].

NM_133443.4(GPT2):c.478C>T (p.Arg160Cys)

Gene: GPT2 (glutamic--pyruvic transaminase 2; plus strand). Cytogenetic location: 16q11.2.
Variant type: single nucleotide variant.
Coding change: c.478C>T on transcript NM_133443.4 (MANE Select); coding-DNA position 478, C replaced by T.
Protein change: p.Arg160Cys; replaces arginine 160 with cysteine.
Molecular consequence: missense variant.
Genome position (GRCh38, 1-based): chr16:46,906,877, C>T. VCF-style: chr16-46906877-C-T. GRCh37 (hg19) VCF-style: chr16-46940789-C-T.
Other names: c.178C>T, p.Arg60Cys (NM_001142466.3); short protein forms R160C, R60C.
Identifiers: ClinVar variation 1031605 (VCV001031605.1), dbSNP rs749413260, ClinGen allele CA8038616.